The following is an entry in ClinVar:

NM_021954.4(GJA3):c.290T>G (p.Leu97Arg)

Gene: GJA3 (gap junction protein alpha 3; minus strand). Cytogenetic location: 13q12.11.
Variant type: single nucleotide variant.
Coding change: c.290T>G on transcript NM_021954.4 (MANE Select); coding-DNA position 290, T replaced by G.
Protein change: p.Leu97Arg; replaces leucine 97 with arginine.
Molecular consequence: missense variant.
Genome position (GRCh38, 1-based): chr13:20,142,999, A>C on the plus strand (T>G on the coding strand, the complement: GJA3 is on the minus strand). VCF-style: chr13-20142999-A-C. GRCh37 (hg19) VCF-style: chr13-20717138-A-C.
Other names: short protein forms L97R.
Identifiers: ClinVar variation 3253689 (VCV003253689.1), dbSNP rs2500173172.
Genomic context (GRCh38, chr13:20,142,999, plus strand): 5'-CTCTTCAGCTGCTCCTCCTCCTCCCTCTCTTTCTTCTTCTCTTCCATGCGCACGATGTGC[A>C]GCACGTGGCCCAGGTAGATGAGGGTGGGCGTGGACACGAAGATGATCTGCAGCGCCCAGA-3'
Protein context (NP_068773.2, residues 87-107): TPTLIYLGHV[Leu97Arg]HIVRMEEKKK

ClinVar aggregate classification (germline): Uncertain significance (1 of 4 stars; one submission).

Conditions:
Cataract 14 multiple types. Also called: CATARACT 14, ZONULAR PULVERULENT; CATARACT 14, NUCLEAR PULVERULENT; CATARACT 14, NUCLEAR PULVERULENT AND POSTERIOR POLAR; CATARACT 14, NUCLEAR CORALLIFORM; CATARACT 14, EMBRYONAL NUCLEAR; CATARACT 14, COPPOCK-LIKE. Identifiers: Orphanet 91492, MedGen C1866078, MONDO:0011162, OMIM 601885.

Submission:

Dept. Genetics and Cancer, Menzies Institute for Medical Research, University of Tasmania
Classification: Uncertain significance for Cataract 14 multiple types. Last evaluated: 2023-01-21. Review status: criteria provided, single submitter. Criteria: ACMG Guidelines, 2015. Collection method: curation. Allele origin: germline. Affected: yes.
Comment: Variant identified and curated during a GJA3 specific review of the literature in relation to pediatric or congenital cataract. ACMG-AMP criteria applied: PM2(Supporting), PP3. Original variant report: PMID:35052368. Additional phenotype/s reported in these individual/s are: dominant optic atrophy and nystagmus. Gene review and curation guidelines are outlined in: DOI 10.1080/17469899.2023.2160320

Literature cited by the submitters: PubMed 35052368.